The following is an entry in ClinVar:

ClinVar aggregate classification (germline): Uncertain significance (1 of 4 stars; one submission).

Conditions:
Hypogonadotropic hypogonadism 2 with or without anosmia (HH2). Also called: FGFR1-Related GnRH Deficiency (Kallmann Syndrome 2); HYPOGONADOTROPIC HYPOGONADISM 2 WITH OR WITHOUT ANOSMIA, SUSCEPTIBILITY TO; HYPOGONADOTROPIC HYPOGONADISM 2 WITHOUT ANOSMIA, SUSCEPTIBILITY TO; HYPOGONADOTROPIC HYPOGONADISM 2 WITHOUT ANOSMIA. Identifiers: Orphanet 478, MedGen C1563720, MONDO:0007844, OMIM 147950. Disease mechanism: loss of function.
Pfeiffer syndrome (ACS5). Also called: ACS V. Identifiers: Orphanet 710, MedGen C0220658, MONDO:0007043, OMIM 101600.

Submission:

Labcorp Genetics (formerly Invitae), Labcorp
Classification: Uncertain significance for Pfeiffer syndrome; Hypogonadotropic hypogonadism 2 with or without anosmia. Last evaluated: 2023-09-06. Review status: criteria provided, single submitter. Criteria: Invitae Variant Classification Sherloc (09022015). Collection method: clinical testing. Allele origin: germline.
Comment: In summary, the available evidence is currently insufficient to determine the role of this variant in disease. Therefore, it has been classified as a Variant of Uncertain Significance. Algorithms developed to predict the effect of sequence changes on RNA splicing suggest that this variant may disrupt the consensus splice site. This variant has not been reported in the literature in individuals affected with FGFR1-related conditions. This variant is not present in population databases (gnomAD no frequency). This sequence change falls in intron 13 of the FGFR1 gene. It does not directly change the encoded amino acid sequence of the FGFR1 protein.

NM_023110.3(FGFR1):c.1854+7A>T

Gene: FGFR1 (fibroblast growth factor receptor 1; minus strand). Cytogenetic location: 8p11.23.
Variant type: single nucleotide variant.
Coding change: c.1854+7A>T on transcript NM_023110.3 (MANE Select); 7 bases into the intron after coding-DNA position 1854, A replaced by T.
Molecular consequence: intron variant.
Genome position (GRCh38, 1-based): chr8:38,415,863, T>A on the plus strand (A>T on the coding strand, the complement: FGFR1 is on the minus strand). VCF-style: chr8-38415863-T-A. GRCh37 (hg19) VCF-style: chr8-38273381-T-A.
Other names: c.1575+7A>T (NM_001354368.2); c.1581+7A>T (NM_001354370.2, NM_023106.3); c.1587+7A>T (NM_023105.3, NM_001174066.2); c.1848+7A>T (NM_001354367.2, NM_015850.4, NM_001174063.2 and 1 more transcripts); c.1824+7A>T (NM_001174064.2); c.1842+7A>T (NM_001354369.2, NM_001410922.1); c.1947+7A>T (NM_001174067.2).
Identifiers: ClinVar variation 2951686 (VCV002951686.3), dbSNP rs2150581405, ClinGen allele CA2717028395.
Genomic context (GRCh38, chr8:38,415,863, plus strand): 5'-GGCTGGAAGACTAGGGGGGCTCTGTTCCCACCCTGGCATTACCCAGGGGAGCCTTCAGGT[T>A]CCACACCTTCTTGGAGGCCAGATACTCCATGCCTCGGGCCACCTGGTAGGCGCAGGACAC-3'